The following is an entry in ClinVar:

NM_015346.4(ZFYVE26):c.1067G>A (p.Cys356Tyr)

Gene: ZFYVE26 (zinc finger FYVE-type containing 26; minus strand). Cytogenetic location: 14q24.1.
Variant type: single nucleotide variant.
Coding change: c.1067G>A on transcript NM_015346.4 (MANE Select); coding-DNA position 1067, G replaced by A.
Protein change: p.Cys356Tyr; replaces cysteine 356 with tyrosine.
Molecular consequence: missense variant.
Genome position (GRCh38, 1-based): chr14:67,805,569, C>T on the plus strand (G>A on the coding strand, the complement: ZFYVE26 is on the minus strand). VCF-style: chr14-67805569-C-T. GRCh37 (hg19) VCF-style: chr14-68272286-C-T.
Other names: short protein forms C356Y.
Identifiers: ClinVar variation 3900473 (VCV003900473.1).

ClinVar aggregate classification (germline): Uncertain significance (1 of 4 stars; one submission).

gnomAD v4.1: 2 of 1,614,208 alleles (0.00012%); highest among the groups gnomAD compares: Non-Finnish European, 0.00017%; no homozygotes.

Submission:

GeneDx
Classification: Uncertain significance. Last evaluated: 2024-11-19. Review status: criteria provided, single submitter. Criteria: GeneDx Variant Classification Process June 2021. Collection method: clinical testing. Allele origin: germline. Affected: yes.
Comment: Not observed at significant frequency in large population cohorts (gnomAD); In silico analysis indicates that this missense variant does not alter protein structure/function; Has not been previously published as pathogenic or benign to our knowledge